The following is an entry in ClinVar:

ClinVar aggregate classification (germline): Likely benign (1 of 4 stars; one submission).

gnomAD v4.1: 13 of 1,614,152 alleles (0.00081%); highest among the groups gnomAD compares: South Asian, 0.0099%; no homozygotes.

Submission:

CeGaT Center for Human Genetics Tuebingen
Classification: Likely benign. Last evaluated: 2026-05-01. Review status: criteria provided, single submitter. Criteria: CeGaT Center For Human Genetics Tuebingen Variant Classification Criteria Version 2. Collection method: clinical testing. Allele origin: germline. Affected: yes. Observed: 1 variant allele.
Comment: MAP1B: BP4, BP7

NM_005909.5(MAP1B):c.6522C>T (p.Ala2174=)

Gene: MAP1B (microtubule associated protein 1B; plus strand). Cytogenetic location: 5q13.2.
Variant type: single nucleotide variant.
Coding change: c.6522C>T on transcript NM_005909.5 (MANE Select); coding-DNA position 6522, C replaced by T.
Protein change: p.Ala2174=; no amino-acid change (alanine 2174 retained).
Molecular consequence: synonymous variant.
Genome position (GRCh38, 1-based): chr5:72,199,877, C>T. VCF-style: chr5-72199877-C-T. GRCh37 (hg19) VCF-style: chr5-71495704-C-T.
Other names: c.6144C>T, p.Ala2048= (NM_001324255.2).
Identifiers: ClinVar variation 4874017 (VCV004874017.2).